The following is an entry in ClinVar:

NM_004656.4(BAP1):c.784-2A>T

Gene: BAP1 (BRCA1 associated deubiquitinase 1; minus strand). Cytogenetic location: 3p21.1.
Variant type: single nucleotide variant.
Coding change: c.784-2A>T on transcript NM_004656.4 (MANE Select); the canonical splice acceptor site of the intron before coding-DNA position 784, A replaced by T.
Molecular consequence: splice acceptor variant.
Genome position (GRCh38, 1-based): chr3:52,405,914, T>A on the plus strand (A>T on the coding strand, the complement: BAP1 is on the minus strand). VCF-style: chr3-52405914-T-A. GRCh37 (hg19) VCF-style: chr3-52439930-T-A.
Other names: c.730-2A>T (NM_001410772.1).
Identifiers: ClinVar variation 630943 (VCV000630943.4), dbSNP rs1559589344, ClinGen allele CA353106987.
Genomic context (GRCh38, chr3:52,405,914, plus strand): 5'-AGCTGTGACTCTTGAGACTTGTGGGTCTGAATCAGCTCTGGCTGTGTTACTCTTATCAGC[T>A]AACAACAGAATCCAGGGCTCAGAGGAGAAAGGGTAGACCCGGGCTTCTACCTTAAATAGC-3'

ClinVar aggregate classification (germline): Likely pathogenic (1 of 4 stars; one submission).

Conditions:
Hereditary cancer-predisposing syndrome. Also called: Tumor predisposition; Neoplastic Syndromes, Hereditary; Hereditary neoplastic syndrome; Hereditary Cancer Syndrome. Identifiers: Orphanet 140162, MedGen C0027672, MeSH D009386, MONDO:0015356.

Submission:

Color Diagnostics, LLC DBA Color Health
Classification: Likely pathogenic for Hereditary cancer-predisposing syndrome. Last evaluated: 2020-04-21. Review status: criteria provided, single submitter. Criteria: ACMG Guidelines, 2015. Collection method: clinical testing. Allele origin: germline.
Comment: This variant causes an A to T nucleotide substitution at the -2 position of intron 9 of the BAP1 gene. Splice site prediction tools predict that this variant may have a significant impact on RNA splicing. Although this prediction has not been confirmed in published RNA studies, this variant is expected to result in an absent or disrupted protein product. To our knowledge, functional studies have not been reported for this variant. This variant has not been reported in individuals affected with hereditary cancer in the literature. This variant has not been identified in the general population by the Genome Aggregation Database (gnomAD). Loss of BAP1 function is a known mechanism of disease. Based on the available evidence, this variant is classified as Likely Pathogenic.